The following is an entry in ClinVar:

NM_030962.4(SBF2):c.5014_5016del (p.Lys1672del)

Genes: SBF2 (SET binding factor 2; minus strand), SBF2-AS1 (SBF2 antisense RNA 1; plus strand), LOC105369149 (uncharacterized LOC105369149; plus strand). Cytogenetic location: 11p15.4.
Variant type: Deletion.
Coding change: c.5014_5016del on transcript NM_030962.4 (MANE Select); coding-DNA positions 5014 to 5016, 3 bases deleted (AAA; older notation c.5014_5016delAAA).
Protein change: p.Lys1672del; deletes lysine 1672.
Molecular consequence: inframe deletion.
Genome position (GRCh38, 1-based): chr11:9,787,655-9,787,657, TTT deleted on the plus strand (AAA on the coding strand, the reverse complement: SBF2 is on the minus strand). VCF-style (leftmost placement, unchanged base first): chr11-9787654-CTTT-C. GRCh37 (hg19) VCF-style: chr11-9809201-CTTT-C.
Other names: c.5014_5016delAAA (NM_030962.3, NM_030962.4); c.5110_5112del, p.Lys1704del (NM_001386339.1); c.4885_4887del, p.Lys1629del (NM_001386342.1); short protein forms K1629del, K1704del.
Identifiers: ClinVar variation 397621 (VCV000397621.64), dbSNP rs750958357, ClinGen allele CA5880839.

ClinVar aggregate classification (germline): Uncertain significance. Review status: criteria provided, multiple submitters, no conflicts (2 of 4 stars). 11 submissions from 11 submitters: Uncertain significance (11). Last evaluated 2026-04-27.

Conditions:
Charcot-Marie-Tooth disease type 4. Also called: Charcot-Marie-Tooth disease, type IV; Charcot-Marie-Tooth, Type 4. Identifiers: Orphanet 64749, MedGen C4082197, MONDO:0018995.
Charcot-Marie-Tooth disease type 4B2. Also called: CHARCOT-MARIE-TOOTH DISEASE, DEMYELINATING, TYPE 4B2; Charcot-Marie-Tooth Neuropathy Type 4B2; CHARCOT-MARIE-TOOTH DISEASE, WITH FOCALLY FOLDED MYELIN SHEATHS, AUTOSOMAL RECESSIVE, TYPE 4B2; CMT 4B2. Identifiers: Orphanet 99956, MedGen C1858278, MONDO:0011475, OMIM 604563.
SBF2-related disorder. Also called: SBF2-related condition.
Inborn genetic diseases. Identifiers: MedGen C0950123, MeSH D030342.
Peripheral neuropathy. Also called: Neuropathy. Identifiers: MedGen C0031117, MONDO:0005244, HP:0009830.

Allele frequency attached by ClinVar (database versions not stated): gnomAD exomes 0.00043 and 0.00046; ExAC 0.00044; gnomAD 0.00063 and 0.00065; TOPMed 0.00074; ESP Exome Variant Server 0.00136.

Submissions (11):

PreventionGenetics, part of Exact Sciences
Classification: Uncertain significance for SBF2-related condition. Last evaluated: 2026-04-27. Review status: criteria provided, single submitter. Criteria: ACMG Guidelines, 2015. Collection method: clinical testing. Allele origin: germline.
Comment: The SBF2 c.5014_5016delAAA variant is predicted to result in an in-frame deletion (p.Lys1672del). To our knowledge, this variant has not been reported in the literature. This variant is reported in 0.13% of alleles in individuals of Ashkenazi Jewish descent in gnomAD. Although we suspect that this variant may be benign, at this time, the clinical significance of this variant is uncertain due to the absence of conclusive functional and genetic evidence.

Women's Health and Genetics/Laboratory Corporation of America, LabCorp
Classification: Uncertain significance. Last evaluated: 2026-02-19. Review status: criteria provided, single submitter. Criteria: LabCorp Variant Classification Summary - May 2015. Collection method: clinical testing. Allele origin: germline.
Comment: Variant summary: SBF2 c.5014_5016delAAA (p.Lys1672del) results in an in-frame deletion that is predicted to remove one amino acid from the encoded protein. The variant allele was found at a frequency of 0.00046 in 251476 control chromosomes. This frequency is not significantly higher than estimated for disease-causing variants in SBF2, allowing no conclusion about variant significance. c.5014_5016delAAA has been observed in a compound heterozygous individual affected with spastic paraplegia and an individual with an unspecified inherited peripheral neuropathy without reported genotype/second variant (e.g. Antoniadi_2015, Nagappa_2018). These report(s) do not provide unequivocal conclusions about association of the variant with Charcot-Marie-Tooth disease type 4B2. To our knowledge, no experimental evidence demonstrating an impact on protein function has been reported. The following publications have been ascertained in the context of this evaluation (PMID: 26392352, 30212743). ClinVar contains an entry for this variant (Variation ID: 397621). Based on the evidence outlined above, the variant was classified as uncertain significance.

CeGaT Center for Human Genetics Tuebingen
Classification: Uncertain significance. Last evaluated: 2025-10-01. Review status: criteria provided, single submitter. Criteria: CeGaT Center For Human Genetics Tuebingen Variant Classification Criteria Version 2. Collection method: clinical testing. Allele origin: germline. Affected: yes. Observed: 2 variant alleles.
Comment: SBF2: PM4:Supporting

GeneDx
Classification: Uncertain significance. Last evaluated: 2024-05-18. Review status: criteria provided, single submitter. Criteria: GeneDx Variant Classification Process June 2021. Collection method: clinical testing. Allele origin: germline. Affected: yes.
Comment: Identified along with a second SBF2 variant in a patient with spastic paraplegia and leukodystrophy, but segregation information was not provided (PMID: 30212743); Observed in apparent homozygous state in a patient with suspected Charcot-Marie-Tooth disease in the literature who also had a variant in another gene that may have been responsible for the phenotype (PMID: 36790232); In silico analysis supports a deleterious effect on protein structure/function; In-frame deletion of 1 amino acids in a non-repeat region; This variant is associated with the following publications: (PMID: 27582484, 26392352, 30212743, 36790232)

Ambry Genetics
Classification: Uncertain significance for Inborn genetic diseases. Last evaluated: 2023-12-26. Review status: criteria provided, single submitter. Criteria: Ambry Variant Classification Scheme 2023. Collection method: clinical testing. Allele origin: germline.
Comment: The c.5014_5016delAAA (p.K1672del) alteration is located in exon 36 (coding exon 36) of the SBF2 gene. This alteration consists of an in-frame deletion of 3 nucleotides between nucleotide positions c.5014 and c.5016, resulting in the deletion of 1 residue. Based on insufficient or conflicting evidence, the clinical significance of this alteration remains unclear.

ARUP Laboratories, Molecular Genetics and Genomics, ARUP Laboratories
Classification: Uncertain significance for Charcot-Marie-Tooth disease type 4B2. Last evaluated: 2023-12-21. Review status: criteria provided, single submitter. Criteria: ARUP Molecular Germline Variant Investigation Process 2024. Collection method: clinical testing. Allele origin: germline.
Comment: The SBF2 c.5014_5016delAAA; p.Lys1672del variant (rs750958357), to our knowledge, is not reported in the medical literature but is reported in ClinVar (Variation ID: 397621). This variant is found in the general population with an allele frequency of 0.046% (131/282,872 alleles) in the Genome Aggregation Database. This variant deletes a single lysine residue leaving the rest of the protein in-frame. Due to limited information, the clinical significance of the p.Lys1672de variant is uncertain at this time.

Labcorp Genetics (formerly Invitae), Labcorp
Classification: Uncertain significance for Charcot-Marie-Tooth disease type 4. Last evaluated: 2022-10-18. Review status: criteria provided, single submitter. Criteria: Invitae Variant Classification Sherloc (09022015). Collection method: clinical testing. Allele origin: germline.
Comment: This variant, c.5014_5016del, results in the deletion of 1 amino acid(s) of the SBF2 protein (p.Lys1672del), but otherwise preserves the integrity of the reading frame. This variant is present in population databases (rs750958357, gnomAD 0.1%), and has an allele count higher than expected for a pathogenic variant. This variant has not been reported in the literature in individuals affected with SBF2-related conditions. ClinVar contains an entry for this variant (Variation ID: 397621). Experimental studies and prediction algorithms are not available or were not evaluated, and the functional significance of this variant is currently unknown. In summary, the available evidence is currently insufficient to determine the role of this variant in disease. Therefore, it has been classified as a Variant of Uncertain Significance.

Athena Diagnostics
Classification: Uncertain significance. Last evaluated: 2022-08-04. Review status: criteria provided, single submitter. Criteria: Athena Diagnostics Criteria. Collection method: clinical testing. Allele origin: unknown.

Genetic Services Laboratory, University of Chicago
Classification: Uncertain significance. Last evaluated: 2018-03-13. Review status: criteria provided, single submitter. Criteria: ACMG Guidelines, 2015. Collection method: clinical testing. Allele origin: germline. Affected: no.

Genomic Research Center, Shahid Beheshti University of Medical Sciences
Classification: Uncertain significance for Charcot-Marie-Tooth disease type 4B2. Last evaluated: 2017-12-18. Review status: criteria provided, single submitter. Criteria: ACMG Guidelines, 2015. Collection method: clinical testing. Allele origin: inherited.

Claritas Genomics
Classification: Uncertain significance for Peripheral neuropathy. Last evaluated: 2016-08-22. Review status: criteria provided, single submitter. Criteria: ACMG Guidelines, 2015. Collection method: clinical testing. Allele origin: germline. Affected: yes.

Literature cited by the submitters: PubMed 26392352 (cited by Women's Health and Genetics/Laboratory Corporation of America, LabCorp and Athena Diagnostics); PubMed 30212743 (cited by Women's Health and Genetics/Laboratory Corporation of America, LabCorp); PubMed 36790232 (cited by Ambry Genetics); PubMed 27582484 (cited by Athena Diagnostics).